The following is an entry in ClinVar:

ClinVar aggregate classification (germline): Uncertain significance (1 of 4 stars; one submission).

gnomAD v4.1: 8 of 717,834 alleles (0.0011%); highest among the groups gnomAD compares: African/African-American, 0.0035%; no homozygotes.

Submission:

Women's Health and Genetics/Laboratory Corporation of America, LabCorp
Classification: Uncertain significance. Last evaluated: 2026-05-27. Review status: criteria provided, single submitter. Criteria: LabCorp Variant Classification Summary - May 2015. Collection method: clinical testing. Allele origin: germline.
Comment: Variant summary: KIF1B c.*1751G>T is located in the untranslated mRNA region downstream of the termination codon. The variant allele was found at a frequency of 6.5e-06 in 153440 control chromosomes. The available data on variant occurrences in the general population are insufficient to allow any conclusion about variant significance. To our knowledge, no occurrence of c.*1751G>T in individuals affected with KIF1B-related conditions and no experimental evidence demonstrating its impact on protein function have been reported. No submitters have cited clinical-significance assessments for this variant to ClinVar. Based on the evidence outlined above, the variant was classified as uncertain significance.

NM_001365951.3(KIF1B):c.*1751G>T

Gene: KIF1B (kinesin family member 1B; plus strand). Cytogenetic location: 1p36.22.
Variant type: single nucleotide variant.
Coding change: c.*1751G>T on transcript NM_001365951.3 (MANE Select); 1751 bases downstream of the stop codon, G replaced by T.
Molecular consequence: 3 prime UTR variant.
Genome position (GRCh38, 1-based): chr1:10,378,338, G>T. VCF-style: chr1-10378338-G-T. GRCh37 (hg19) VCF-style: chr1-10438396-G-T.
Other names: c.*1751G>T (NM_001365952.1, NM_015074.3).
Identifiers: ClinVar variation 4853434 (VCV004853434.1).
Genomic context (GRCh38, chr1:10,378,338, plus strand): 5'-AAACACTGCCCAGGGAGAAAGGAGGAAGCTCACTGTGGACAGTCTTCTTTCCTTCTGACA[G>T]ACCAGGTCATCTGGCTTCCGAGATCATCAGAGAAGATAAGTCTGTCTCTTTCAGCTGCCA-3'